The following is an entry in ClinVar:

ClinVar aggregate classification (germline): Uncertain significance (1 of 4 stars; one submission).

Conditions:
Hereditary cancer-predisposing syndrome. Also called: Hereditary Cancer Syndrome; Hereditary neoplastic syndrome; Neoplastic Syndromes, Hereditary; Tumor predisposition. Identifiers: Orphanet 140162, MedGen C0027672, MeSH D009386, MONDO:0015356.

Submission:

Ambry Genetics
Classification: Uncertain significance for Hereditary cancer-predisposing syndrome. Last evaluated: 2026-07-07. Review status: criteria provided, single submitter. Criteria: Ambry Variant Classification Scheme 2023. Collection method: clinical testing. Allele origin: germline.
Comment: The p.T1160A variant (also known as c.3478A>G), located in coding exon 21 of the PTCH1 gene, results from an A to G substitution at nucleotide position 3478. The threonine at codon 1160 is replaced by alanine, an amino acid with similar properties. This amino acid position is highly conserved in available vertebrate species. In addition, this alteration is predicted to be deleterious by in silico analysis. Based on the available evidence, the clinical significance of this variant remains unclear.

NM_000264.5(PTCH1):c.3478A>G (p.Thr1160Ala)

Gene: PTCH1 (patched 1; minus strand). Cytogenetic location: 9q22.32.
Variant type: single nucleotide variant.
Coding change: c.3478A>G on transcript NM_000264.5 (MANE Select); coding-DNA position 3478, A replaced by G.
Protein change: p.Thr1160Ala; replaces threonine 1160 with alanine.
Molecular consequence: missense variant. On other transcripts: non-coding transcript variant (1).
Genome position (GRCh38, 1-based): chr9:95,449,912, T>C on the plus strand (A>G on the coding strand, the complement: PTCH1 is on the minus strand). VCF-style: chr9-95449912-T-C. GRCh37 (hg19) VCF-style: chr9-98212194-T-C.
Other names: c.3280A>G, p.Thr1094Ala (NM_001083602.3); c.3475A>G, p.Thr1159Ala (NM_001083603.3); c.3025A>G, p.Thr1009Ala (NM_001083604.3, NM_001083605.3, NM_001083606.3 and 1 more transcripts); c.3322A>G, p.Thr1108Ala (NM_001354918.2); short protein forms T1009A, T1108A, T1094A, T1159A, T1160A.
Identifiers: ClinVar variation 1731802 (VCV001731802.3), dbSNP rs2538021380, ClinGen allele CA374111576.